The following is an entry in ClinVar:

ClinVar aggregate classification (germline): Uncertain significance. Review status: criteria provided, multiple submitters, no conflicts (2 of 4 stars). 2 submissions from 2 submitters: Uncertain significance (2). Last evaluated 2025-10-28.

Conditions:
Developmental and epileptic encephalopathy, 77. Also called: EPILEPTIC ENCEPHALOPATHY, EARLY INFANTILE, 77; GLYCOSYLPHOSPHATIDYLINOSITOL BIOSYNTHESIS DEFECT 19; MULTIPLE CONGENITAL ANOMALIES-HYPOTONIA-SEIZURES SYNDROME 4. Identifiers: MedGen C5231405, MONDO:0032808, OMIM 618548.

Submissions (2):

3billion
Classification: Uncertain significance for Developmental and epileptic encephalopathy, 77. Last evaluated: 2025-10-28. Review status: criteria provided, single submitter. Criteria: ACMG Guidelines, 2015. Collection method: clinical testing. Allele origin: germline. Affected: yes.
Comment: The variant is observed at an extremely low frequency in the gnomAD v4.1.0 dataset (total allele frequency: <0.001%). Predicted Consequence/Location: Frameshift: predicted to result in a loss or disruption of normal protein function through protein truncation. The predicted truncated protein may be shortened by less than 10%. The variant has been reported as of uncertain significance (ClinVar ID: VCV002434846; PMID: 34380004; 3billion dataset). Therefore, this variant is classified as VUS according to the recommendation of ACMG/AMP guideline.

Revvity Omics, Revvity
Classification: Uncertain significance for Developmental and epileptic encephalopathy, 77. Last evaluated: 2020-11-03. Review status: criteria provided, single submitter. Criteria: ACMG Guidelines, 2015. Collection method: clinical testing. Allele origin: germline.

NM_004204.5(PIGQ):c.1673del (p.Gly558fs)

Gene: PIGQ (phosphatidylinositol glycan anchor biosynthesis class Q; plus strand). Cytogenetic location: 16p13.3.
Variant type: Deletion.
Coding change: c.1673del on transcript NM_004204.5 (MANE Select); coding-DNA position 1673, one base deleted (G; older notation c.1673delG).
Protein change: p.Gly558fs; shifts the reading frame from glycine 558.
Molecular consequence: frameshift variant.
Genome position (GRCh38, 1-based): chr16:582,962, G deleted; the last of 4 consecutive G bases (chr16:582,959-582,962); deleting any one gives the same sequence. VCF-style (leftmost placement, unchanged base first): chr16-582958-TG-T. GRCh37 (hg19) VCF-style: chr16-632958-TG-T.
Other names: c.1673delG, p.Gly558Alafs (NM_004204.4); c.1611del, p.Arg538fs (NM_148920.4); short protein forms G558fs, R538fs.
Identifiers: ClinVar variation 2434846 (VCV002434846.5), dbSNP rs767910865, ClinGen allele CA7780505.
Genomic context (GRCh38, chr16:582,958, plus strand): 5'-TACAGCCGCGTGGTGCACACCTACCGCCTCCCCAGCTGTGGCTGCCACCCCAAGCACTCC[TG>T]GGGCGCCCTGTGCCGCAAGCTGTTCCTTGGGGAGCTCATCTACCCCTGGAGGCAGAGAGG-3'